The following is an entry in ClinVar:

NM_052947.4(ALPK2):c.5117C>T (p.Thr1706Met)

Genes: ALPK2 (alpha kinase 2; minus strand), LOC130062577 (ATAC-STARR-seq lymphoblastoid active region 13389; plus strand). Cytogenetic location: 18q21.31.
Variant type: single nucleotide variant.
Coding change: c.5117C>T on transcript NM_052947.4 (MANE Select); coding-DNA position 5117, C replaced by T.
Protein change: p.Thr1706Met; replaces threonine 1706 with methionine.
Molecular consequence: missense variant.
Genome position (GRCh38, 1-based): chr18:58,535,070, G>A on the plus strand (C>T on the coding strand, the complement: ALPK2 is on the minus strand). VCF-style: chr18-58535070-G-A. GRCh37 (hg19) VCF-style: chr18-56202302-G-A.
Other names: short protein forms T1706M.
Identifiers: ClinVar variation 1745438 (VCV001745438.4), dbSNP rs149829322, ClinGen allele CA8976576.

ClinVar aggregate classification (germline): Uncertain significance (1 of 4 stars; one submission).

Allele frequency attached by ClinVar (database versions not stated): ExAC 0.00006; ESP Exome Variant Server 0.00008; TOPMed 0.00009; gnomAD exomes 0.00010; gnomAD 0.00011.
gnomAD v4.1: 161 of 1,613,850 alleles (0.01%); highest among the groups gnomAD compares: East Asian, 0.067%; no homozygotes.

Submission:

Ambry Genetics
Classification: Uncertain significance. Last evaluated: 2024-09-16. Review status: criteria provided, single submitter. Criteria: Ambry Variant Classification Scheme 2023. Collection method: clinical testing. Allele origin: germline.
Comment: The p.T1706M variant (also known as c.5117C>T), located in coding exon 4 of the ALPK2 gene, results from a C to T substitution at nucleotide position 5117. The threonine at codon 1706 is replaced by methionine, an amino acid with similar properties. This amino acid position is conserved. In addition, this alteration is predicted to be tolerated by in silico analysis. Since supporting evidence is limited at this time, the clinical significance of this alteration remains unclear.